The following is an entry in ClinVar:

ClinVar aggregate classification (germline): Uncertain significance (1 of 4 stars; one submission).

Conditions:
Werner syndrome (WRN). Identifiers: Orphanet 902, MedGen C0043119, MONDO:0010196, OMIM 277700.

Submission:

Labcorp Genetics (formerly Invitae), Labcorp
Classification: Uncertain significance for Werner syndrome. Last evaluated: 2023-08-08. Review status: criteria provided, single submitter. Criteria: Invitae Variant Classification Sherloc (09022015). Collection method: clinical testing. Allele origin: germline.
Comment: This variant has not been reported in the literature in individuals affected with WRN-related conditions. This sequence change replaces valine, which is neutral and non-polar, with phenylalanine, which is neutral and non-polar, at codon 1339 of the WRN protein (p.Val1339Phe). This variant is present in population databases (rs11574395, gnomAD 0.0009%). An algorithm developed to predict the effect of missense changes on protein structure and function (PolyPhen-2) suggests that this variant is likely to be disruptive. In summary, the available evidence is currently insufficient to determine the role of this variant in disease. Therefore, it has been classified as a Variant of Uncertain Significance.

NM_000553.6(WRN):c.4015G>T (p.Val1339Phe)

Gene: WRN (WRN RecQ like helicase; plus strand). Cytogenetic location: 8p12.
Variant type: single nucleotide variant.
Coding change: c.4015G>T on transcript NM_000553.6 (MANE Select); coding-DNA position 4015, G replaced by T.
Protein change: p.Val1339Phe; replaces valine 1339 with phenylalanine.
Molecular consequence: missense variant.
Genome position (GRCh38, 1-based): chr8:31,167,054, G>T. VCF-style: chr8-31167054-G-T. GRCh37 (hg19) VCF-style: chr8-31024570-G-T.
Other names: short protein forms V1339F.
Identifiers: ClinVar variation 2740120 (VCV002740120.3), dbSNP rs11574395, ClinGen allele CA4705242.